The following is an entry in ClinVar:

ClinVar aggregate classification (germline): Uncertain significance (1 of 4 stars; one submission).

Conditions:
Dilated cardiomyopathy 1JJ (CMD1JJ). Identifiers: Orphanet 154, MedGen C3808935, MONDO:0014095, OMIM 615235.

Submission:

Labcorp Genetics (formerly Invitae), Labcorp
Classification: Uncertain significance for Dilated cardiomyopathy 1JJ. Last evaluated: 2025-05-18. Review status: criteria provided, single submitter. Criteria: Invitae Variant Classification Sherloc (09022015). Collection method: clinical testing. Allele origin: germline.
Comment: This sequence change replaces leucine, which is neutral and non-polar, with serine, which is neutral and polar, at codon 1412 of the LAMA4 protein (p.Leu1412Ser). This variant is not present in population databases (gnomAD no frequency). This variant has not been reported in the literature in individuals affected with LAMA4-related conditions. An algorithm developed to predict the effect of missense changes on protein structure and function outputs the following: PolyPhen-2: "Benign". The serine amino acid residue is found in multiple mammalian species, which suggests that this missense change does not adversely affect protein function. In summary, the available evidence is currently insufficient to determine the role of this variant in disease. Therefore, it has been classified as a Variant of Uncertain Significance.

NM_001105206.3(LAMA4):c.4256T>C (p.Leu1419Ser)

Gene: LAMA4 (laminin subunit alpha 4; minus strand). Cytogenetic location: 6q21.
Variant type: single nucleotide variant.
Coding change: c.4256T>C on transcript NM_001105206.3 (MANE Select); coding-DNA position 4256, T replaced by C.
Protein change: p.Leu1419Ser; replaces leucine 1419 with serine.
Molecular consequence: missense variant.
Genome position (GRCh38, 1-based): chr6:112,128,953, A>G on the plus strand (T>C on the coding strand, the complement: LAMA4 is on the minus strand). VCF-style: chr6-112128953-A-G. GRCh37 (hg19) VCF-style: chr6-112450155-A-G.
Other names: c.4235T>C, p.Leu1412Ser (NM_001105207.3, NM_002290.5); short protein forms L1419S, L1412S.
Identifiers: ClinVar variation 4696181 (VCV004696181.1).